The following is an entry in ClinVar:

ClinVar aggregate classification (germline): Uncertain significance (1 of 4 stars; one submission).

Allele frequency attached by ClinVar (database versions not stated): gnomAD exomes 0.00001; gnomAD 0.00002; TOPMed 0.00003.

Submission:

Labcorp Genetics (formerly Invitae), Labcorp
Classification: Uncertain significance. Last evaluated: 2024-05-14. Review status: criteria provided, single submitter. Criteria: Invitae Variant Classification Sherloc (09022015). Collection method: clinical testing. Allele origin: germline.
Comment: This sequence change replaces arginine, which is basic and polar, with tryptophan, which is neutral and slightly polar, at codon 337 of the ZNF408 protein (p.Arg337Trp). The frequency data for this variant in the population databases is considered unreliable, as metrics indicate poor data quality at this position in the gnomAD database. This variant has not been reported in the literature in individuals affected with ZNF408-related conditions. ClinVar contains an entry for this variant (Variation ID: 2165547). Algorithms developed to predict the effect of missense changes on protein structure and function output the following: SIFT: "Not Available"; PolyPhen-2: "Benign"; Align-GVGD: "Not Available". The tryptophan amino acid residue is found in multiple mammalian species, which suggests that this missense change does not adversely affect protein function. In summary, the available evidence is currently insufficient to determine the role of this variant in disease. Therefore, it has been classified as a Variant of Uncertain Significance.

NM_024741.3(ZNF408):c.1009C>T (p.Arg337Trp)

Gene: ZNF408 (zinc finger protein 408; plus strand). Cytogenetic location: 11p11.2.
Variant type: single nucleotide variant.
Coding change: c.1009C>T on transcript NM_024741.3 (MANE Select); coding-DNA position 1009, C replaced by T.
Protein change: p.Arg337Trp; replaces arginine 337 with tryptophan.
Molecular consequence: missense variant.
Genome position (GRCh38, 1-based): chr11:46,704,709, C>T. VCF-style: chr11-46704709-C-T. GRCh37 (hg19) VCF-style: chr11-46726259-C-T.
Other names: c.985C>T, p.Arg329Trp (NM_001184751.2); short protein forms R337W, R329W.
Identifiers: ClinVar variation 2165547 (VCV002165547.4), dbSNP rs1036667458, ClinGen allele CA221633136.